The following is an entry in ClinVar:

NM_007325.5(GRIA3):c.447T>G (p.Ile149Met)

Gene: GRIA3 (glutamate ionotropic receptor AMPA type subunit 3; plus strand). Cytogenetic location: Xq25.
Variant type: single nucleotide variant.
Coding change: c.447T>G on transcript NM_007325.5 (MANE Select); coding-DNA position 447, T replaced by G.
Protein change: p.Ile149Met; replaces isoleucine 149 with methionine.
Molecular consequence: missense variant.
Genome position (GRCh38, 1-based): chrX:123,253,481, T>G. VCF-style: chrX-123253481-T-G. GRCh37 (hg19) VCF-style: chrX-122387332-T-G.
Other names: c.447T>G, p.Ile149Met (NM_000828.5); short protein forms I149M.
Identifiers: ClinVar variation 3381253 (VCV003381253.2).

ClinVar aggregate classification (germline): Uncertain significance (1 of 4 stars; one submission).

Conditions:
Syndromic X-linked intellectual disability 94 (MRXSW). Also called: X-linked intellectual disability due to GRIA3 anomalies; MENTAL RETARDATION, X-LINKED, SYNDROMIC 29. Identifiers: Orphanet 364028, MedGen C2678051, MONDO:0010402, OMIM 300699.

Submission:

Servicio de Genética Del Instituto Nacional de Salud Del Niño, Ministerio de Salud
Classification: Uncertain significance for Syndromic X-linked intellectual disability 94. Last evaluated: 2024-11-18. Review status: criteria provided, single submitter. Criteria: ACMG Guidelines, 2015. Collection method: clinical testing. Allele origin: germline. Inheritance: X-linked recessive inheritance.
Comment: The variant NM_007325.5:c.447T>G results in the substitution of isoleucine with methionine at position 149 (p.Ile149Met). Both isoleucine and methionine are hydrophobic amino acids, but methionine has a sulfur-containing side chain, which could slightly alter the protein's properties. Based on PM2 (absence in population databases) and PP2 (conservation of the amino acid across species), this variant is classified as uncertain significance